The following is an entry in ClinVar:

ClinVar aggregate classification (germline): Uncertain significance. Review status: criteria provided, multiple submitters, no conflicts (2 of 4 stars). 3 submissions from 3 submitters: Uncertain significance (3). Last evaluated 2025-04-14.

Conditions:
Mitochondrial complex I deficiency, nuclear type 5. Also called: Mitochondrial complex 1 deficiency, nuclear type 5. Identifiers: MedGen C4748754, MONDO:0032610, OMIM 618226.
Mitochondrial complex I deficiency. Also called: NADH:Q(1) OXIDOREDUCTASE DEFICIENCY. Identifiers: Orphanet 2609, MedGen C1838979, MeSH C537475, MONDO:0100133.

Allele frequency attached by ClinVar (database versions not stated): gnomAD exomes below 0.00001 and 0.00002; ExAC 0.00001; gnomAD 0.00001; TOPMed 0.00001.
gnomAD v4.1: 4 of 1,613,324 alleles (0.00025%); highest among the groups gnomAD compares: Admixed American, 0.0033%; no homozygotes.

Submissions (3):

GeneDx
Classification: Uncertain significance. Last evaluated: 2025-04-14. Review status: criteria provided, single submitter. Criteria: GeneDx Variant Classification Process June 2021. Collection method: clinical testing. Allele origin: germline.
Comment: Reported in a patient with Leigh syndrome; however, this individual harbored two other variants in this gene and phase of all variants was not determined (PMID: 35094435); In silico analysis supports that this missense variant has a deleterious effect on protein structure/function; This variant is associated with the following publications: (PMID: 35094435)

Baylor Genetics
Classification: Uncertain significance for Mitochondrial complex I deficiency, nuclear type 1. Last evaluated: 2017-09-01. Review status: criteria provided, single submitter. Criteria: ACMG Guidelines, 2015. Collection method: clinical testing. Allele origin: paternal. Inheritance: Autosomal recessive inheritance. Affected: yes.

Juno Genomics, Hangzhou Juno Genomics, Inc
Classification: Uncertain significance for Mitochondrial complex I deficiency, nuclear type 5. Review status: criteria provided, single submitter. Criteria: ACMG Guidelines, 2015. Collection method: clinical testing. Allele origin: germline.
Comment: Absent from controls (or at extremely low frequency if recessive) in Genome Aggregation Database.;Multiple lines of computational evidence support a deleterious effect on the gene or gene product.

Literature cited by the submitters: PubMed 25326635 (cited by Baylor Genetics).

NM_005006.7(NDUFS1):c.2129G>A (p.Cys710Tyr)

Gene: NDUFS1 (NADH:ubiquinone oxidoreductase core subunit S1; minus strand). Cytogenetic location: 2q33.3.
Variant type: single nucleotide variant.
Coding change: c.2129G>A on transcript NM_005006.7 (MANE Select); coding-DNA position 2129, G replaced by A.
Protein change: p.Cys710Tyr; replaces cysteine 710 with tyrosine.
Molecular consequence: missense variant.
Genome position (GRCh38, 1-based): chr2:206,124,240, C>T on the plus strand (G>A on the coding strand, the complement: NDUFS1 is on the minus strand). VCF-style: chr2-206124240-C-T. GRCh37 (hg19) VCF-style: chr2-206988964-C-T.
Other names: c.2021G>A, p.Cys674Tyr (NM_001199981.2); c.1796G>A, p.Cys599Tyr (NM_001199982.2); c.1958G>A, p.Cys653Tyr (NM_001199983.2); c.2171G>A, p.Cys724Tyr (NM_001199984.2); c.2129G>A (NM_005006.5); short protein forms C710Y, C599Y, C653Y, C674Y, C724Y.
Identifiers: ClinVar variation 561063 (VCV000561063.6), dbSNP rs765677840, ClinGen allele CA2070250.